The following is an entry in ClinVar:

NM_022124.6(CDH23):c.9557G>A (p.Arg3186Gln)

Gene: CDH23 (cadherin related 23; plus strand). Cytogenetic location: 10q22.1.
Variant type: single nucleotide variant.
Coding change: c.9557G>A on transcript NM_022124.6 (MANE Select); coding-DNA position 9557, G replaced by A.
Protein change: p.Arg3186Gln; replaces arginine 3186 with glutamine.
Molecular consequence: missense variant.
Genome position (GRCh38, 1-based): chr10:71,812,814, G>A. VCF-style: chr10-71812814-G-A. GRCh37 (hg19) VCF-style: chr10-73572571-G-A.
Other names: c.2837G>A, p.Arg946Gln (NM_001171933.1, NM_001171934.1); c.248G>A, p.Arg83Gln (NM_001171935.1, NM_001171936.1); short protein forms R3186Q, R83Q, R946Q.
Identifiers: ClinVar variation 1304960 (VCV001304960.10), dbSNP rs763303827, ClinGen allele CA5547127.

ClinVar aggregate classification (germline): Uncertain significance. Review status: criteria provided, multiple submitters, no conflicts (2 of 4 stars). 5 submissions from 5 submitters: Uncertain significance (5). Last evaluated 2025-08-22.

Conditions:
Usher syndrome type 1D (USH1D). Also called: USHER SYNDROME, TYPE ID. Identifiers: Orphanet 231169, Orphanet 886, MedGen C1832845, MONDO:0010984, OMIM 601067.
Pituitary adenoma 5, multiple types. Identifiers: MedGen C4539685, MONDO:0054601, OMIM 617540.
Autosomal recessive nonsyndromic hearing loss 12. Also called: DEAFNESS, AUTOSOMAL RECESSIVE 12. Identifiers: Orphanet 90636, MedGen C1832394, MONDO:0011067, OMIM 601386.
Inborn genetic diseases. Identifiers: MedGen C0950123, MeSH D030342.

Allele frequency attached by ClinVar (database versions not stated): ExAC 0.00002; gnomAD 0.00003 and 0.00004; TOPMed 0.00003; gnomAD exomes 0.00005.
gnomAD v4.1: 55 of 1,613,238 alleles (0.0034%); highest among the groups gnomAD compares: Admixed American, 0.0067%; no homozygotes.

Submissions (5):

Ambry Genetics
Classification: Uncertain significance for Inborn genetic diseases. Last evaluated: 2025-08-22. Review status: criteria provided, single submitter. Criteria: Ambry Variant Classification Scheme 2023. Collection method: clinical testing. Allele origin: germline.

GeneDx
Classification: Uncertain significance. Last evaluated: 2024-12-09. Review status: criteria provided, single submitter. Criteria: GeneDx Variant Classification Process June 2021. Collection method: clinical testing. Allele origin: germline. Affected: yes.
Comment: In silico analysis indicates that this missense variant does not alter protein structure/function; Has not been previously published as pathogenic or benign to our knowledge

Labcorp Genetics (formerly Invitae), Labcorp
Classification: Uncertain significance. Last evaluated: 2022-07-19. Review status: criteria provided, single submitter. Criteria: Invitae Variant Classification Sherloc (09022015). Collection method: clinical testing. Allele origin: germline.
Comment: This sequence change replaces arginine, which is basic and polar, with glutamine, which is neutral and polar, at codon 3186 of the CDH23 protein (p.Arg3186Gln). This variant is present in population databases (rs763303827, gnomAD 0.01%). This variant has not been reported in the literature in individuals affected with CDH23-related conditions. ClinVar contains an entry for this variant (Variation ID: 1304960). Algorithms developed to predict the effect of missense changes on protein structure and function are either unavailable or do not agree on the potential impact of this missense change (SIFT: "Deleterious"; PolyPhen-2: "Not Available"; Align-GVGD: "Class C0"). In summary, the available evidence is currently insufficient to determine the role of this variant in disease. Therefore, it has been classified as a Variant of Uncertain Significance.

Blueprint Genetics
Classification: Uncertain significance. Last evaluated: 2022-01-13. Review status: criteria provided, single submitter. Criteria: ACMG Guidelines, 2015. Collection method: clinical testing. Allele origin: germline.

Fulgent Genetics
Classification: Uncertain significance for Usher syndrome type 1D; Autosomal recessive nonsyndromic hearing loss 12; Pituitary adenoma 5, multiple types. Last evaluated: 2021-11-30. Review status: criteria provided, single submitter. Criteria: ACMG Guidelines, 2015. Collection method: clinical testing. Allele origin: unknown.